The following is an entry in ClinVar:

NM_005619.5(RTN2):c.148G>T (p.Glu50Ter)

Genes: OPA3-RTN2 (OPA3-RTN2 readthrough; minus strand), RTN2 (reticulon 2; minus strand). Cytogenetic location: 19q13.32.
Variant type: single nucleotide variant.
Coding change: c.148G>T on transcript NM_005619.5 (MANE Select); coding-DNA position 148, G replaced by T.
Protein change: p.Glu50Ter; replaces glutamic acid 50 with a stop codon.
Molecular consequence: nonsense.
Genome position (GRCh38, 1-based): chr19:45,494,937, C>A on the plus strand (G>T on the coding strand, the complement: RTN2 is on the minus strand). VCF-style: chr19-45494937-C-A. GRCh37 (hg19) VCF-style: chr19-45998195-C-A.
Other names: p.Glu50*; c.148G>T, p.Glu50Ter (NM_206900.3); short protein forms E50*.
Identifiers: ClinVar variation 1070023 (VCV001070023.13), dbSNP rs1162797495, ClinGen allele CA406362879.
Genomic context (GRCh38, chr19:45,494,937, plus strand): 5'-CAAAGGCGATGTAGGAGAAGGTCAGCTCCCGGGGGGTGCCCCAGTCCTGCGACGTGGTCT[C>A]CTCCTCGTCCTCCTCTGAGAATTCCCGGGCTGTGTGCAGCTCTCGAAAATCAGAGTCGTC-3'

ClinVar aggregate classification (germline): Pathogenic/Likely pathogenic. Review status: criteria provided, multiple submitters, no conflicts (2 of 4 stars). 3 submissions from 3 submitters: Pathogenic (1); Likely pathogenic (2). Last evaluated 2024-05-12.

Conditions:
Spastic paraplegia. Identifiers: MedGen C0037772, HP:0001258.
Hereditary spastic paraplegia 12 (SPG12). Also called: SPASTIC PARAPLEGIA 12, AUTOSOMAL DOMINANT. Identifiers: Orphanet 100993, MedGen C1858106, MONDO:0011489, OMIM 604805.

Allele frequency attached by ClinVar (database versions not stated): gnomAD exomes below 0.00001; TOPMed below 0.00001.
gnomAD v4.1: 3 of 1,613,752 alleles (0.00019%); highest among the groups gnomAD compares: Admixed American, 0.005%; no homozygotes.

Submissions (3):

Labcorp Genetics (formerly Invitae), Labcorp
Classification: Pathogenic for Spastic paraplegia. Last evaluated: 2024-05-12. Review status: criteria provided, single submitter. Criteria: Invitae Variant Classification Sherloc (09022015). Collection method: clinical testing. Allele origin: germline.
Comment: This sequence change creates a premature translational stop signal (p.Glu50*) in the RTN2 gene. It is expected to result in an absent or disrupted protein product. Loss-of-function variants in RTN2 are known to be pathogenic (PMID: 22232211, 27165006). This variant is present in population databases (no rsID available, gnomAD 0.003%). This premature translational stop signal has been observed in individual(s) with clinical features of RTN2-related disorders (Invitae). ClinVar contains an entry for this variant (Variation ID: 1070023). For these reasons, this variant has been classified as Pathogenic.

Mayo Clinic Laboratories, Mayo Clinic
Classification: Likely pathogenic. Last evaluated: 2023-08-18. Review status: criteria provided, single submitter. Criteria: ACMG Guidelines, 2015. Collection method: clinical testing. Allele origin: germline. Observed: 1 variant allele.
Comment: PVS1

Revvity Omics, Revvity
Classification: Likely pathogenic for Hereditary spastic paraplegia 12. Last evaluated: 2020-06-22. Review status: criteria provided, single submitter. Criteria: ACMG Guidelines, 2015. Collection method: clinical testing. Allele origin: germline.

Literature cited by the submitters: PubMed 22232211 (cited by Labcorp Genetics (formerly Invitae), Labcorp); PubMed 27165006 (cited by Labcorp Genetics (formerly Invitae), Labcorp).